The following is an entry in ClinVar:

ClinVar aggregate classification (germline): Conflicting classifications of pathogenicity. Review status: criteria provided, conflicting classifications (1 of 4 stars). 3 submissions from 3 submitters: Uncertain significance (2); Benign (1). Last evaluated 2025-05-23.

Conditions:
Hereditary cancer-predisposing syndrome. Also called: Neoplastic Syndromes, Hereditary; Hereditary Cancer Syndrome; Hereditary neoplastic syndrome; Tumor predisposition. Identifiers: Orphanet 140162, MedGen C0027672, MeSH D009386, MONDO:0015356.
Gorlin syndrome. Also called: Nevoid Basal Cell Carcinoma Syndrome; Basal cell nevus syndrome. Identifiers: Orphanet 377, MedGen C0004779, MONDO:0007187.

Allele frequency attached by ClinVar (database versions not stated): ExAC 0.00001; gnomAD exomes 0.00001; TOPMed 0.00002; gnomAD 0.00003.
gnomAD v4.1: 7 of 1,611,872 alleles (0.00043%); highest among the groups gnomAD compares: African/African-American, 0.004%; no homozygotes.

Submissions (3):

Labcorp Genetics (formerly Invitae), Labcorp
Classification: Benign for Gorlin syndrome. Last evaluated: 2025-05-23. Review status: criteria provided, single submitter. Criteria: Invitae Variant Classification Sherloc (09022015). Collection method: clinical testing. Allele origin: germline.

Ambry Genetics
Classification: Uncertain significance for Hereditary cancer-predisposing syndrome. Last evaluated: 2024-12-29. Review status: criteria provided, single submitter. Criteria: Ambry Variant Classification Scheme 2023. Collection method: clinical testing. Allele origin: germline.
Comment: The p.E127K variant (also known as c.379G>A), located in coding exon 2 of the PTCH1 gene, results from a G to A substitution at nucleotide position 379. The glutamic acid at codon 127 is replaced by lysine, an amino acid with similar properties. This amino acid position is well conserved in available vertebrate species. In addition, the in silico prediction for this alteration is inconclusive. Since supporting evidence is limited at this time, the clinical significance of this alteration remains unclear.

GeneDx
Classification: Uncertain significance. Last evaluated: 2024-01-09. Review status: criteria provided, single submitter. Criteria: GeneDx Variant Classification Process June 2021. Collection method: clinical testing. Allele origin: germline. Affected: yes.
Comment: Not observed at significant frequency in large population cohorts (gnomAD); In silico analysis supports that this missense variant does not alter protein structure/function; Has not been previously published as pathogenic or benign to our knowledge; This variant is associated with the following publications: (PMID: 8906794)

NM_000264.5(PTCH1):c.379G>A (p.Glu127Lys)

Gene: PTCH1 (patched 1; minus strand). Cytogenetic location: 9q22.32.
Variant type: single nucleotide variant.
Coding change: c.379G>A on transcript NM_000264.5 (MANE Select); coding-DNA position 379, G replaced by A.
Protein change: p.Glu127Lys; replaces glutamic acid 127 with lysine.
Molecular consequence: missense variant. On other transcripts: 5 prime UTR variant (4), non-coding transcript variant (1).
Genome position (GRCh38, 1-based): chr9:95,506,422, C>T on the plus strand (G>A on the coding strand, the complement: PTCH1 is on the minus strand). VCF-style: chr9-95506422-C-T. GRCh37 (hg19) VCF-style: chr9-98268704-C-T.
Other names: c.181G>A, p.Glu61Lys (NM_001083602.3, NM_001354919.2); c.376G>A, p.Glu126Lys (NM_001083603.3); c.-75G>A (NM_001083604.3, NM_001083605.3, NM_001083606.3 and 1 more transcripts); c.379G>A, p.Glu127Lys (NM_001354918.2); short protein forms E127K, E61K, E126K.
Identifiers: ClinVar variation 824230 (VCV000824230.20), dbSNP rs774822170, ClinGen allele CA5138975.
Genomic context (GRCh38, chr9:95,506,422, plus strand): 5'-GAGGGACCGGGCCGGGGGCGCGGGCGCCGCGGCGGGCGCTCTTACCTTCCACCCACAGCT[C>T]CTCCACGTTGGTCTCGAGGTTCGCTGCTTTTAATCCCACCGCGAAGGCCCCAAATATGAG-3'
Protein context (NP_000255.2, residues 117-137): KAANLETNVE[Glu127Lys]LWVEVGGRVS